The following is an entry in ClinVar:

NM_002465.4(MYBPC1):c.355T>C (p.Trp119Arg)

Gene: MYBPC1 (myosin binding protein C1; plus strand). Cytogenetic location: 12q23.2.
Variant type: single nucleotide variant.
Coding change: c.355T>C on transcript NM_002465.4 (MANE Select); coding-DNA position 355, T replaced by C.
Protein change: p.Trp119Arg; replaces tryptophan 119 with arginine.
Molecular consequence: missense variant.
Genome position (GRCh38, 1-based): chr12:101,631,636, T>C. VCF-style: chr12-101631636-T-C. GRCh37 (hg19) VCF-style: chr12-102025414-T-C.
Other names: c.280T>C, p.Trp94Arg (NM_001254718.3, NM_001254719.3, NM_001254721.3 and 4 more transcripts); c.244T>C, p.Trp82Arg (NM_001254720.3); c.202T>C, p.Trp68Arg (NM_001254722.3, NM_001404677.1, NM_001404679.1 and 2 more transcripts); c.241T>C, p.Trp81Arg (NM_001254723.3); c.355T>C, p.Trp119Arg (NM_001404675.1, NM_206819.4); short protein forms W119R, W68R, W81R, W82R, W94R.
Identifiers: ClinVar variation 3393419 (VCV003393419.1).

ClinVar aggregate classification (germline): Uncertain significance (1 of 4 stars; one submission).

Conditions:
Lethal congenital contracture syndrome 4 (LCCS4). Identifiers: MedGen C3554046, MONDO:0013965, OMIM 614915.

Submission:

Neuberg Centre For Genomic Medicine, NCGM
Classification: Uncertain significance for Lethal congenital contracture syndrome 4. Review status: criteria provided, single submitter. Criteria: ACMG Guidelines, 2015. Collection method: clinical testing. Allele origin: germline. Inheritance: Autosomal recessive inheritance. Affected: yes.
Comment: The observed missense variant c.355T>Cp.Trp119Arg in the MYBPC1 gene has not been reported previously as a pathogenic variant nor as a benign variant, to our knowledge. This variant is reported with the allele frequency 0.0004% in the gnomAD Exomes. The amino acid Trp at position 119 is changed to a Arg changing protein sequence and it might alter its composition and physico-chemical properties. Multiple lines of computational evidence Polyphen - Damaging, SIFT - Damaging and MutationTaster - Disease causing predict a damaging effect on protein structure and function for this variant. The residue is conserved by GERP++ and PhyloP across 100 vertebrates. For these reasons, this variant has been classified as Uncertain Significance.